The following is an entry in ClinVar:

ClinVar aggregate classification (germline): Conflicting classifications of pathogenicity. Review status: criteria provided, conflicting classifications (1 of 4 stars). 4 submissions from 4 submitters: Uncertain significance (1); Likely benign (3). Last evaluated 2025-06-17.

Conditions:
Cardiac arrhythmia. Also called: Arrhythmia; Cardiac rhythm disease. Identifiers: MedGen C0003811, MONDO:0007263, HP:0011675.
Long QT syndrome 2 (LQT2). Identifiers: Orphanet 101016, Orphanet 768, MedGen C3150943, MONDO:0013367, OMIM 613688.
Long QT syndrome (LQTS). Identifiers: MedGen C0023976, MeSH D008133, MONDO:0002442. Disease mechanism: loss of function. Inheritance: Various modes of inheritance.

Allele frequency attached by ClinVar (database versions not stated): gnomAD exomes below 0.00001; gnomAD 0.00001; ExAC 0.00002.

Submissions (4):

Labcorp Genetics (formerly Invitae), Labcorp
Classification: Likely benign for Long QT syndrome. Last evaluated: 2025-06-17. Review status: criteria provided, single submitter. Criteria: Invitae Variant Classification Sherloc (09022015). Collection method: clinical testing. Allele origin: germline.

Color Diagnostics, LLC DBA Color Health
Classification: Likely benign for Arrhythmia. Last evaluated: 2019-12-29. Review status: criteria provided, single submitter. Criteria: ACMG Guidelines, 2015. Collection method: clinical testing. Allele origin: germline.

Illumina Laboratory Services, Illumina
Classification: Uncertain significance for Long QT syndrome 2. Last evaluated: 2018-01-12. Review status: criteria provided, single submitter. Criteria: ICSL Variant Classification Criteria 13 December 2019. Collection method: clinical testing. Allele origin: germline.

GeneDx
Classification: Likely benign. Last evaluated: 2017-08-22. Review status: criteria provided, single submitter. Criteria: GeneDx Variant Classification (06012015). Collection method: clinical testing. Allele origin: germline. Affected: yes.
Comment: This variant is considered likely benign or benign based on one or more of the following criteria: it is a conservative change, it occurs at a poorly conserved position in the protein, it is predicted to be benign by multiple in silico algorithms, and/or has population frequency not consistent with disease.

NM_000238.4(KCNH2):c.2382C>T (p.Val794=)

Gene: KCNH2 (potassium voltage-gated channel subfamily H member 2; minus strand). Cytogenetic location: 7q36.1.
Variant type: single nucleotide variant.
Coding change: c.2382C>T on transcript NM_000238.4 (MANE Select); coding-DNA position 2382, C replaced by T.
Protein change: p.Val794=; no amino-acid change (valine 794 retained).
Molecular consequence: synonymous variant. On other transcripts: non-coding transcript variant (2).
Genome position (GRCh38, 1-based): chr7:150,950,184, G>A on the plus strand (C>T on the coding strand, the complement: KCNH2 is on the minus strand). VCF-style: chr7-150950184-G-A. GRCh37 (hg19) VCF-style: chr7-150647272-G-A.
Other names: c.1362C>T, p.Val454= (NM_001204798.2, NM_172057.3); c.2094C>T, p.Val698= (NM_001406753.1, NM_001406756.1); c.2205C>T, p.Val735= (NM_001406755.1); c.2082C>T, p.Val694= (NM_001406757.1); c.2382C>T, p.Val794= (NM_172056.3).
Identifiers: ClinVar variation 359308 (VCV000359308.19), dbSNP rs777801910, ClinGen allele CA031844.